The following is an entry in ClinVar:

NM_014244.5(ADAMTS2):c.3604A>T (p.Met1202Leu)

Gene: ADAMTS2 (ADAM metallopeptidase with thrombospondin type 1 motif 2; minus strand). Cytogenetic location: 5q35.3.
Variant type: single nucleotide variant.
Coding change: c.3604A>T on transcript NM_014244.5 (MANE Select); coding-DNA position 3604, A replaced by T.
Protein change: p.Met1202Leu; replaces methionine 1202 with leucine.
Molecular consequence: missense variant.
Genome position (GRCh38, 1-based): chr5:179,113,899, T>A on the plus strand (A>T on the coding strand, the complement: ADAMTS2 is on the minus strand). VCF-style: chr5-179113899-T-A. GRCh37 (hg19) VCF-style: chr5-178540900-T-A.
Other names: short protein forms M1202L.
Identifiers: ClinVar variation 1313169 (VCV001313169.2), dbSNP rs746555448, ClinGen allele CA3595191.
Genomic context (GRCh38, chr5:179,113,899, plus strand): 5'-ATGCTAGGGATGCTATCTTTCCATTTTATTAGAACTTTCCGAGCATCTCTTTCTTCCGCA[T>A]CTCATCAATGAGCTCTTGGATTCTTTGGTTTCTGGTCTTTTCATAGGGGCTCGGTCGTCG-3'
Protein context (NP_055059.2, residues 1192-1211): NQRIQELIDE[Met1202Leu]RKKEMLGKF

ClinVar aggregate classification (germline): Uncertain significance (1 of 4 stars; one submission).

Allele frequency attached by ClinVar (database versions not stated): TOPMed 0.00001; gnomAD 0.00001; gnomAD exomes 0.00001; ExAC 0.00001.

Submission:

GeneDx
Classification: Uncertain significance. Last evaluated: 2020-08-19. Review status: criteria provided, single submitter. Criteria: GeneDx Variant Classification Process June 2021. Collection method: clinical testing. Allele origin: germline. Affected: yes.
Comment: Not observed at a significant frequency in large population cohorts (Lek et al., 2016); In silico analysis supports that this missense variant does not alter protein structure/function; Has not been previously published as pathogenic or benign to our knowledge